The following is an entry in ClinVar:

GRCh38/hg38 7p21.3(chr7:10610069-11290160)x3

Genes: MGC4859 (uncharacterized LOC79150; minus strand), NDUFA4 (NDUFA4 mitochondrial complex associated; minus strand), PHF14 (PHD finger protein 14; plus strand), LOC100131472 (uncharacterized LOC100131472; plus strand), LOC110120772 (VISTA enhancer hs793; plus strand) and 8 more. Cytogenetic location: 7p21.3.
Variant type: copy number gain.
Change: copy number 3 (three copies instead of two) of chr7:10,610,069-11,290,160 (680.1 kb, GRCh38 coordinates, 1-based), cytogenetic band 7p21.3.
Identifiers: ClinVar variation 161064 (VCV000161064.1).

ClinVar aggregate classification (germline): Uncertain significance (1 of 4 stars; one submission).

Submission:

ISCA site 4
Classification: Uncertain significance. Last evaluated: 2011-08-12. Review status: criteria provided, single submitter. Criteria: Kaminsky et al. (Genet Med. 2011). Collection method: clinical testing. Allele origin: unknown. Affected: yes. Observed: 1 variant allele.
Comment: Copy number variation identified through the course of routine clinical cytogenomic testing in postnatal populations. Clinical assertions have been curated as described in Kaminsky et al. 2011.